The following is an entry in ClinVar:

NM_182961.4(SYNE1):c.16688G>A (p.Arg5563Gln)

Gene: SYNE1 (spectrin repeat containing nuclear envelope protein 1; minus strand). Cytogenetic location: 6q25.2.
Variant type: single nucleotide variant.
Coding change: c.16688G>A on transcript NM_182961.4 (MANE Select); coding-DNA position 16688, G replaced by A.
Protein change: p.Arg5563Gln; replaces arginine 5563 with glutamine.
Molecular consequence: missense variant.
Genome position (GRCh38, 1-based): chr6:152,316,871, C>T on the plus strand (G>A on the coding strand, the complement: SYNE1 is on the minus strand). VCF-style: chr6-152316871-C-T. GRCh37 (hg19) VCF-style: chr6-152638006-C-T.
Other names: c.16475G>A, p.Arg5492Gln (NM_033071.5); short protein forms R5492Q, R5563Q.
Identifiers: ClinVar variation 2169232 (VCV002169232.7), dbSNP rs756287442, ClinGen allele CA4055461.

ClinVar aggregate classification (germline): Uncertain significance. Review status: criteria provided, multiple submitters, no conflicts (2 of 4 stars). 2 submissions from 2 submitters: Uncertain significance (2). Last evaluated 2026-03-01.

Conditions:
Autosomal recessive ataxia, Beauce type. Also called: Spinocerebellar ataxia, autosomal recessive 8; SYNE1-Related Autosomal Recessive Cerebellar Ataxia; SYNE1 Deficiency; ATAXIA, RECESSIVE, OF BEAUCE. Identifiers: Orphanet 88644, MedGen C1853116, MONDO:0012549, OMIM 610743.
Emery-Dreifuss muscular dystrophy 4, autosomal dominant (EDMD4). Also called: EMERY-DREIFUSS MUSCULAR DYSTROPHY 4 WITH VARIABLE FEATURES. Identifiers: Orphanet 261, MedGen C2751807, MONDO:0013071, OMIM 612998.

Allele frequency attached by ClinVar (database versions not stated): gnomAD exomes 0.00001; ExAC 0.00002.
gnomAD v4.1: 10 of 1,614,032 alleles (0.00062%); highest among the groups gnomAD compares: East Asian, 0.0022%; no homozygotes.

Submissions (2):

CeGaT Center for Human Genetics Tuebingen
Classification: Uncertain significance. Last evaluated: 2026-03-01. Review status: criteria provided, single submitter. Criteria: CeGaT Center For Human Genetics Tuebingen Variant Classification Criteria Version 2. Collection method: clinical testing. Allele origin: germline. Affected: yes. Observed: 1 variant allele.
Comment: SYNE1: PM2, BP4

Labcorp Genetics (formerly Invitae), Labcorp
Classification: Uncertain significance for Emery-Dreifuss muscular dystrophy 4, autosomal dominant; Autosomal recessive ataxia, Beauce type. Last evaluated: 2024-11-05. Review status: criteria provided, single submitter. Criteria: Invitae Variant Classification Sherloc (09022015). Collection method: clinical testing. Allele origin: germline.
Comment: This sequence change replaces arginine, which is basic and polar, with glutamine, which is neutral and polar, at codon 5492 of the SYNE1 protein (p.Arg5492Gln). This variant is present in population databases (rs756287442, gnomAD 0.002%). This variant has not been reported in the literature in individuals affected with SYNE1-related conditions. ClinVar contains an entry for this variant (Variation ID: 2169232). An algorithm developed to predict the effect of missense changes on protein structure and function (PolyPhen-2) suggests that this variant¬¨‚Ä†is likely to be tolerated. In summary, the available evidence is currently insufficient to determine the role of this variant in disease. Therefore, it has been classified as a Variant of Uncertain Significance.